The following is an entry in ClinVar:

ClinVar aggregate classification (germline): Pathogenic (1 of 4 stars; one submission).

Conditions:
Waardenburg syndrome type 1 (WS1). Also called: WAARDENBURG SYNDROME WITH DYSTOPIA CANTHORUM; Waardenburg Syndrome Type I. Identifiers: Orphanet 894, MedGen C1847800, MONDO:0008670, OMIM 193500.

Submission:

Institute of Rare Diseases, West China Hospital, Sichuan University
Classification: Pathogenic for Waardenburg syndrome type 1. Last evaluated: 2025-01-09. Review status: criteria provided, single submitter. Criteria: ClinGen HL ACMG Specifications v1. Collection method: research. Allele origin: germline. Affected: yes.
Comment: PM1;PVS1;PS2;PP4;PM2_Supporting

NM_181458.4(PAX3):c.358G>T (p.Glu120Ter)

Gene: PAX3 (paired box 3; minus strand). Cytogenetic location: 2q36.1.
Variant type: single nucleotide variant.
Coding change: c.358G>T on transcript NM_181458.4 (MANE Select); coding-DNA position 358, G replaced by T.
Protein change: p.Glu120Ter; replaces glutamic acid 120 with a stop codon.
Molecular consequence: nonsense.
Genome position (GRCh38, 1-based): chr2:222,295,621, C>A on the plus strand (G>T on the coding strand, the complement: PAX3 is on the minus strand). VCF-style: chr2-222295621-C-A. GRCh37 (hg19) VCF-style: chr2-223160340-C-A.
Other names: c.358G>T, p.Glu120Ter (NM_000438.6, NM_013942.5, NM_181457.4 and 3 more transcripts); c.355G>T, p.Glu119Ter (NM_001127366.3); short protein forms E119*, E120*.
Identifiers: ClinVar variation 3601580 (VCV003601580.1).